The following is an entry in ClinVar:

NM_001367624.2(ZNF469):c.10373C>G (p.Ala3458Gly)

Gene: ZNF469 (zinc finger protein 469; plus strand). Cytogenetic location: 16q24.2.
Variant type: single nucleotide variant.
Coding change: c.10373C>G on transcript NM_001367624.2 (MANE Select); coding-DNA position 10373, C replaced by G.
Protein change: p.Ala3458Gly; replaces alanine 3458 with glycine.
Molecular consequence: missense variant.
Genome position (GRCh38, 1-based): chr16:88,437,843, C>G. VCF-style: chr16-88437843-C-G. GRCh37 (hg19) VCF-style: chr16-88504251-C-G.
Other names: NM_001127464.1:c.10289C>G; short protein forms A3458G.
Identifiers: ClinVar variation 1421761 (VCV001421761.10), dbSNP rs1429918039, ClinGen allele CA397126784.

ClinVar aggregate classification (germline): Uncertain significance. Review status: criteria provided, multiple submitters, no conflicts (2 of 4 stars). 3 submissions from 3 submitters: Uncertain significance (3). Last evaluated 2026-06-04.

Conditions:
Cardiovascular phenotype. Identifiers: MedGen CN230736.
Brittle cornea syndrome 1 (BCS1). Also called: CORNEAL FRAGILITY, KERATOGLOBUS, BLUE SCLERAE, JOINT HYPEREXTENSIBILITY; EDS6B; FRAGILITAS OCULI WITH JOINT HYPEREXTENSIBILITY; Corneal fragility keratoglobus, blue sclerae AND joint hypermobility; DYSGENESIS MESODERMALIS CORNEAE ET SCLERAE. Identifiers: Orphanet 90354, MedGen C0268344, MONDO:0024543, OMIM 229200.

Submissions (3):

Ambry Genetics
Classification: Uncertain significance for Cardiovascular phenotype. Last evaluated: 2026-06-04. Review status: criteria provided, single submitter. Criteria: Ambry Variant Classification Scheme 2023. Collection method: clinical testing. Allele origin: germline.

Labcorp Genetics (formerly Invitae), Labcorp
Classification: Uncertain significance. Last evaluated: 2022-06-05. Review status: criteria provided, single submitter. Criteria: Invitae Variant Classification Sherloc (09022015). Collection method: clinical testing. Allele origin: germline.
Comment: In summary, the available evidence is currently insufficient to determine the role of this variant in disease. Therefore, it has been classified as a Variant of Uncertain Significance. Algorithms developed to predict the effect of missense changes on protein structure and function output the following: SIFT: "Tolerated"; PolyPhen-2: "Benign"; Align-GVGD: "Class C0". The glycine amino acid residue is found in multiple mammalian species, which suggests that this missense change does not adversely affect protein function. ClinVar contains an entry for this variant (Variation ID: 1421761). This variant has not been reported in the literature in individuals affected with ZNF469-related conditions. This variant is not present in population databases (gnomAD no frequency). This sequence change replaces alanine, which is neutral and non-polar, with glycine, which is neutral and non-polar, at codon 3430 of the ZNF469 protein (p.Ala3430Gly).

Revvity Omics, Revvity
Classification: Uncertain significance for Brittle cornea syndrome 1. Last evaluated: 2020-02-19. Review status: criteria provided, single submitter. Criteria: ACMG Guidelines, 2015. Collection method: clinical testing. Allele origin: germline.